The following is an entry in ClinVar:

ClinVar aggregate classification (germline): Uncertain significance (1 of 4 stars; one submission).

Conditions:
Arrhythmogenic cardiomyopathy with wooly hair and keratoderma. Also called: Carvajal syndrome; PALMOPLANTAR KERATODERMA WITH LEFT VENTRICULAR CARDIOMYOPATHY AND WOOLLY HAIR; Dilated cardiomyopathy with woolly hair and keratoderma; Arrhythmogenic cardiomyopathy with woolly hair and keratoderma. Identifiers: Orphanet 65282, MedGen C1854063, MONDO:0011581, OMIM 605676.

Submission:

All of Us Research Program, National Institutes of Health
Classification: Uncertain significance for Arrhythmogenic cardiomyopathy with wooly hair and keratoderma. Last evaluated: 2023-08-15. Review status: criteria provided, single submitter. Criteria: ACMG Guidelines, 2015. Collection method: clinical testing. Allele origin: germline. Inheritance: Autosomal dominant inheritance. Observed: 1 variant allele, 1 heterozygote.
Comment: This study involves interpretation of variants in research participants for the purpose of population health screening. Participant phenotype was not available at the time of variant classification. Additional details can be found in publication PMID: 35346344, PMCID: PMC8962531

NM_004415.4(DSP):c.8434G>A (p.Gly2812Ser)

Gene: DSP (desmoplakin; plus strand). Cytogenetic location: 6p24.3.
Variant type: single nucleotide variant.
Coding change: c.8434G>A on transcript NM_004415.4 (MANE Select); coding-DNA position 8434, G replaced by A.
Protein change: p.Gly2812Ser; replaces glycine 2812 with serine.
Molecular consequence: missense variant.
Genome position (GRCh38, 1-based): chr6:7,585,696, G>A. VCF-style: chr6-7585696-G-A. GRCh37 (hg19) VCF-style: chr6-7585929-G-A.
Other names: c.6637G>A, p.Gly2213Ser (NM_001008844.3); c.7105G>A, p.Gly2369Ser (NM_001319034.2); short protein forms G2213S, G2369S, G2812S.
Identifiers: ClinVar variation 3069279 (VCV003069279.1), dbSNP rs2533951761, ClinGen allele CA362695137.